The following is an entry in ClinVar:

NM_020778.4:c.75G>A

Gene: ALPK3 (alpha kinase 3; plus strand).
Variant type: single nucleotide variant.
Other names: p.Leu25=.
Identifiers: ClinVar variation 4684020 (VCV004684020.1).

ClinVar aggregate classification (germline): Likely benign (1 of 4 stars; one submission).

Submission:

Mayo Clinic Laboratories, Mayo Clinic
Classification: Likely benign. Last evaluated: 2025-11-22. Review status: criteria provided, single submitter. Criteria: ACMG Guidelines, 2015. Collection method: clinical testing. Allele origin: germline. Observed: 1 variant allele.
Comment: BP4, BP7